The following is an entry in ClinVar:

ClinVar aggregate classification (germline): Uncertain significance (1 of 4 stars; one submission).

Conditions:
Arrhythmogenic right ventricular dysplasia 8 (ARVD8). Also called: Arrhythmogenic Right Ventricular Dysplasia/Cardiomyopathy 8; ARRHYTHMOGENIC RIGHT VENTRICULAR DYSPLASIA, FAMILIAL, 8; ARRHYTHMOGENIC RIGHT VENTRICULAR CARDIOMYOPATHY 8. Identifiers: MedGen C1843896, MONDO:0011831, OMIM 607450.
Arrhythmogenic cardiomyopathy with wooly hair and keratoderma. Also called: Dilated cardiomyopathy with woolly hair and keratoderma; Carvajal syndrome; Arrhythmogenic cardiomyopathy with woolly hair and keratoderma; PALMOPLANTAR KERATODERMA WITH LEFT VENTRICULAR CARDIOMYOPATHY AND WOOLLY HAIR. Identifiers: Orphanet 65282, MedGen C1854063, MONDO:0011581, OMIM 605676.

Submission:

Labcorp Genetics (formerly Invitae), Labcorp
Classification: Uncertain significance for Arrhythmogenic cardiomyopathy with wooly hair and keratoderma; Arrhythmogenic right ventricular dysplasia 8. Last evaluated: 2022-03-09. Review status: criteria provided, single submitter. Criteria: Invitae Variant Classification Sherloc (09022015). Collection method: clinical testing. Allele origin: germline.
Comment: This sequence change replaces arginine, which is basic and polar, with glycine, which is neutral and non-polar, at codon 1879 of the DSP protein (p.Arg1879Gly). This variant is not present in population databases (gnomAD no frequency). In summary, the available evidence is currently insufficient to determine the role of this variant in disease. Therefore, it has been classified as a Variant of Uncertain Significance. Algorithms developed to predict the effect of missense changes on protein structure and function (SIFT, PolyPhen-2, Align-GVGD) all suggest that this variant is likely to be disruptive. ClinVar contains an entry for this variant (Variation ID: 1002712). This variant has not been reported in the literature in individuals affected with DSP-related conditions.

NM_004415.4(DSP):c.5635A>G (p.Arg1879Gly)

Gene: DSP (desmoplakin; plus strand). Cytogenetic location: 6p24.3.
Variant type: single nucleotide variant.
Coding change: c.5635A>G on transcript NM_004415.4 (MANE Select); coding-DNA position 5635, A replaced by G.
Protein change: p.Arg1879Gly; replaces arginine 1879 with glycine.
Molecular consequence: missense variant.
Genome position (GRCh38, 1-based): chr6:7,582,897, A>G. VCF-style: chr6-7582897-A-G. GRCh37 (hg19) VCF-style: chr6-7583130-A-G.
Other names: c.3838A>G, p.Arg1280Gly (NM_001008844.3); c.4306A>G, p.Arg1436Gly (NM_001319034.2); short protein forms R1280G, R1436G, R1879G.
Identifiers: ClinVar variation 1002712 (VCV001002712.7), dbSNP rs1759488201, ClinGen allele CA362689063.